The following is an entry in ClinVar:

NM_001170629.2(CHD8):c.5581C>G (p.Pro1861Ala)

Gene: CHD8 (chromodomain helicase DNA binding protein 8; minus strand). Cytogenetic location: 14q11.2.
Variant type: single nucleotide variant.
Coding change: c.5581C>G on transcript NM_001170629.2 (MANE Select); coding-DNA position 5581, C replaced by G.
Protein change: p.Pro1861Ala; replaces proline 1861 with alanine.
Molecular consequence: missense variant.
Genome position (GRCh38, 1-based): chr14:21,394,295, G>C on the plus strand (C>G on the coding strand, the complement: CHD8 is on the minus strand). VCF-style: chr14-21394295-G-C. GRCh37 (hg19) VCF-style: chr14-21862454-G-C.
Other names: c.4744C>G, p.Pro1582Ala (NM_020920.4); short protein forms P1582A, P1861A.
Identifiers: ClinVar variation 1708727 (VCV001708727.2), dbSNP rs753247792, ClinGen allele CA257593950.

ClinVar aggregate classification (germline): Uncertain significance (1 of 4 stars; one submission).

Allele frequency attached by ClinVar (database versions not stated): gnomAD exomes below 0.00001.

Submission:

GeneDx
Classification: Uncertain significance. Last evaluated: 2022-04-06. Review status: criteria provided, single submitter. Criteria: GeneDx Variant Classification Process June 2021. Collection method: clinical testing. Allele origin: germline. Affected: yes.
Comment: Not observed at significant frequency in large population cohorts (gnomAD); In silico analysis supports that this missense variant has a deleterious effect on protein structure/function; Has not been previously published as pathogenic or benign to our knowledge